The following is an entry in ClinVar:

ClinVar aggregate classification (germline): Benign (1 of 4 stars; one submission).

Conditions:
Sessile serrated polyposis cancer syndrome (SSPCS). Identifiers: Orphanet 157798, MedGen C4310714, MONDO:0014919, OMIM 617108.

Submission:

Myriad Genetics, Inc.
Classification: Benign for Sessile serrated polyposis cancer syndrome. Last evaluated: 2026-07-02. Review status: criteria provided, single submitter. Criteria: Myriad Autosomal Dominant, Autosomal Recessive and X-Linked Classification Criteria (2023). Collection method: clinical testing. Allele origin: unknown.
Comment: This variant is considered benign. This variant is a silent/synonymous amino acid change and it is not expected to impact splicing.

NM_017763.6(RNF43):c.1797C>G (p.Thr599=)

Gene: RNF43 (ring finger protein 43; minus strand). Cytogenetic location: 17q22.
Variant type: single nucleotide variant.
Coding change: c.1797C>G on transcript NM_017763.6 (MANE Select); coding-DNA position 1797, C replaced by G.
Protein change: p.Thr599=; no amino-acid change (threonine 599 retained).
Molecular consequence: synonymous variant.
Genome position (GRCh38, 1-based): chr17:58,357,979, G>C on the plus strand (C>G on the coding strand, the complement: RNF43 is on the minus strand). VCF-style: chr17-58357979-G-C. GRCh37 (hg19) VCF-style: chr17-56435340-G-C.
Other names: c.1797C>G, p.Thr599= (NM_001305544.3, NM_001438820.1, NM_001438821.1 and 1 more transcripts); c.1416C>G, p.Thr472= (NM_001305545.2, NM_001437987.1).
Identifiers: ClinVar variation 5042359 (VCV005042359.1).